The following is an entry in ClinVar:

ClinVar aggregate classification (germline): Uncertain significance (1 of 4 stars; one submission).

Conditions:
Hereditary cancer-predisposing syndrome. Also called: Hereditary neoplastic syndrome; Tumor predisposition; Hereditary Cancer Syndrome; Neoplastic Syndromes, Hereditary. Identifiers: Orphanet 140162, MedGen C0027672, MeSH D009386, MONDO:0015356.

Submission:

Ambry Genetics
Classification: Uncertain significance for Hereditary cancer-predisposing syndrome. Last evaluated: 2023-09-07. Review status: criteria provided, single submitter. Criteria: Ambry Variant Classification Scheme 2023. Collection method: clinical testing. Allele origin: germline.
Comment: The p.S604G variant (also known as c.1810A>G), located in coding exon 11 of the NBN gene, results from an A to G substitution at nucleotide position 1810. The serine at codon 604 is replaced by glycine, an amino acid with similar properties. This amino acid position is conserved. In addition, this alteration is predicted to be tolerated by in silico analysis. Since supporting evidence is limited at this time, the clinical significance of this alteration remains unclear.

NM_002485.5(NBN):c.1810A>G (p.Ser604Gly)

Gene: NBN (nibrin; minus strand). Cytogenetic location: 8q21.3.
Variant type: single nucleotide variant.
Coding change: c.1810A>G on transcript NM_002485.5 (MANE Select); coding-DNA position 1810, A replaced by G.
Protein change: p.Ser604Gly; replaces serine 604 with glycine.
Molecular consequence: missense variant.
Genome position (GRCh38, 1-based): chr8:89,953,279, T>C on the plus strand (A>G on the coding strand, the complement: NBN is on the minus strand). VCF-style: chr8-89953279-T-C. GRCh37 (hg19) VCF-style: chr8-90965507-T-C.
Other names: c.1564A>G, p.Ser522Gly (NM_001024688.3); short protein forms S522G, S604G.
Identifiers: ClinVar variation 2586818 (VCV002586818.2), dbSNP rs2488228789, ClinGen allele CA371655041.